The following is an entry in ClinVar:

ClinVar aggregate classification (germline): Uncertain significance. Review status: criteria provided, multiple submitters, no conflicts (2 of 4 stars). 2 submissions from 2 submitters: Uncertain significance (2). Last evaluated 2025-10-23.

Allele frequency attached by ClinVar (database versions not stated): gnomAD exomes below 0.00001; gnomAD 0.00002; ExAC 0.00003.
gnomAD v4.1: 8 of 1,614,008 alleles (0.0005%); highest among the groups gnomAD compares: African/African-American, 0.008%; no homozygotes.

Submissions (2):

Ambry Genetics
Classification: Uncertain significance. Last evaluated: 2025-10-23. Review status: criteria provided, single submitter. Criteria: Ambry Variant Classification Scheme 2023. Collection method: clinical testing. Allele origin: germline.

Labcorp Genetics (formerly Invitae), Labcorp
Classification: Uncertain significance. Last evaluated: 2023-06-23. Review status: criteria provided, single submitter. Criteria: Invitae Variant Classification Sherloc (09022015). Collection method: clinical testing. Allele origin: germline.
Comment: In summary, the available evidence is currently insufficient to determine the role of this variant in disease. Therefore, it has been classified as a Variant of Uncertain Significance. Advanced modeling of protein sequence and biophysical properties (such as structural, functional, and spatial information, amino acid conservation, physicochemical variation, residue mobility, and thermodynamic stability) performed at Invitae indicates that this missense variant is not expected to disrupt FBN3 protein function. This variant has not been reported in the literature in individuals affected with FBN3-related conditions. This variant is present in population databases (rs748321077, gnomAD 0.03%). This sequence change replaces glutamic acid, which is acidic and polar, with aspartic acid, which is acidic and polar, at codon 925 of the FBN3 protein (p.Glu925Asp).

NM_032447.5(FBN3):c.2775G>C (p.Glu925Asp)

Gene: FBN3 (fibrillin 3; minus strand). Cytogenetic location: 19p13.2.
Variant type: single nucleotide variant.
Coding change: c.2775G>C on transcript NM_032447.5 (MANE Select); coding-DNA position 2775, G replaced by C.
Protein change: p.Glu925Asp; replaces glutamic acid 925 with aspartic acid.
Molecular consequence: missense variant.
Genome position (GRCh38, 1-based): chr19:8,123,965, C>G on the plus strand (G>C on the coding strand, the complement: FBN3 is on the minus strand). VCF-style: chr19-8123965-C-G. GRCh37 (hg19) VCF-style: chr19-8188849-C-G.
Other names: c.2775G>C, p.Glu925Asp (NM_001321431.2); c.2775G>C (NM_032447.3); short protein forms E925D.
Identifiers: ClinVar variation 2882925 (VCV002882925.4), dbSNP rs748321077, ClinGen allele CA9152711.